The following is an entry in ClinVar:

NM_000038.6(APC):c.7147G>C (p.Gly2383Arg)

Gene: APC (APC regulator of Wnt signaling pathway; plus strand). Cytogenetic location: 5q22.2.
Variant type: single nucleotide variant.
Coding change: c.7147G>C on transcript NM_000038.6 (MANE Select); coding-DNA position 7147, G replaced by C.
Protein change: p.Gly2383Arg; replaces glycine 2383 with arginine.
Molecular consequence: missense variant.
Genome position (GRCh38, 1-based): chr5:112,842,741, G>C. VCF-style: chr5-112842741-G-C. GRCh37 (hg19) VCF-style: chr5-112178438-G-C.
Other names: c.7147G>C, p.Gly2383Arg (NM_001127510.3, NM_001354895.2); c.7093G>C, p.Gly2365Arg (NM_001127511.3); c.7201G>C, p.Gly2401Arg (NM_001354896.2); c.7177G>C, p.Gly2393Arg (NM_001354897.2); c.7072G>C, p.Gly2358Arg (NM_001354898.2); c.7063G>C, p.Gly2355Arg (NM_001354899.2); c.7024G>C, p.Gly2342Arg (NM_001354900.2); c.6970G>C, p.Gly2324Arg (NM_001354901.2); and 5 more; short protein forms G2365R, G2383R, G2324R, G2223R, G2257R, G2358R, G2401R, G2100R.
Identifiers: ClinVar variation 482282 (VCV000482282.25), dbSNP rs1008025963, ClinGen allele CA16036896.

ClinVar aggregate classification (germline): Uncertain significance. Review status: criteria provided, multiple submitters, no conflicts (2 of 4 stars). 8 submissions from 8 submitters: Uncertain significance (8). Last evaluated 2025-12-08.

Conditions:
Hereditary cancer-predisposing syndrome. Also called: Neoplastic Syndromes, Hereditary; Tumor predisposition; Hereditary Cancer Syndrome; Hereditary neoplastic syndrome. Identifiers: Orphanet 140162, MedGen C0027672, MeSH D009386, MONDO:0015356.
Familial adenomatous polyposis 1 (FAP1). Also called: FAMILIAL ADENOMATOUS POLYPOSIS 1, ATTENUATED; POLYPOSIS, ADENOMATOUS INTESTINAL. Identifiers: MedGen C2713442, MONDO:0021056, OMIM 175100. Disease mechanism: loss of function.
Classic or attenuated familial adenomatous polyposis. Identifiers: MedGen CN372698, MONDO:0021057.

Allele frequency attached by ClinVar (database versions not stated): gnomAD exomes below 0.00001 and 0.00001; gnomAD 0.00002; TOPMed 0.00005.
gnomAD v4.1: 10 of 1,613,794 alleles (0.00062%); highest among the groups gnomAD compares: African/African-American, 0.013%; no homozygotes.

Submissions (8):

Labcorp Genetics (formerly Invitae), Labcorp
Classification: Uncertain significance for Familial adenomatous polyposis 1. Last evaluated: 2025-12-08. Review status: criteria provided, single submitter. Criteria: Invitae Variant Classification Sherloc (09022015). Collection method: clinical testing. Allele origin: germline.
Comment: This sequence change replaces glycine, which is neutral and non-polar, with arginine, which is basic and polar, at codon 2383 of the APC protein (p.Gly2383Arg). This variant is present in population databases (no rsID available, gnomAD 0.007%). This variant has not been reported in the literature in individuals affected with APC-related conditions. ClinVar contains an entry for this variant (Variation ID: 482282). Invitae Evidence Modeling of protein sequence and biophysical properties (such as structural, functional, and spatial information, amino acid conservation, physicochemical variation, residue mobility, and thermodynamic stability) indicates that this missense variant is not expected to disrupt APC protein function with a negative predictive value of 95%. In summary, the available evidence is currently insufficient to determine the role of this variant in disease. Therefore, it has been classified as a Variant of Uncertain Significance.

Ambry Genetics
Classification: Uncertain significance for Hereditary cancer-predisposing syndrome. Last evaluated: 2025-01-06. Review status: criteria provided, single submitter. Criteria: Ambry Variant Classification Scheme 2023. Collection method: clinical testing. Allele origin: germline.
Comment: The p.G2383R variant (also known as c.7147G>C), located in coding exon 15 of the APC gene, results from a G to C substitution at nucleotide position 7147. The glycine at codon 2383 is replaced by arginine, an amino acid with dissimilar properties. This amino acid position is not well conserved in available vertebrate species. Missense alterations in APC are not a common cause of disease (Spier I et al. Genet Med. 2024 Feb;26(2):100992). In addition, in silico predictors for this gene do not accurately predict pathogenicity. Since supporting evidence is limited at this time, the clinical significance of this alteration remains unclear.

Color Diagnostics, LLC DBA Color Health
Classification: Uncertain significance for Hereditary cancer-predisposing syndrome. Last evaluated: 2024-04-29. Review status: criteria provided, single submitter. Criteria: ACMG Guidelines, 2015. Collection method: clinical testing. Allele origin: germline.
Comment: This missense variant replaces glycine with arginine at codon 2383 of the APC protein. Computational prediction suggests that this variant may not impact protein structure and function (internally defined REVEL score threshold <= 0.5, PMID: 27666373). To our knowledge, functional studies have not been reported for this variant. This variant has been reported in a cohort of individuals with advanced cancer (PMID: 28873162). This variant has been identified in 1/250246 chromosomes in the general population by the Genome Aggregation Database (gnomAD). The available evidence is insufficient to determine the role of this variant in disease conclusively. Therefore, this variant is classified as a Variant of Uncertain Significance.

Baylor Genetics
Classification: Uncertain significance for Familial adenomatous polyposis 1. Last evaluated: 2024-03-21. Review status: criteria provided, single submitter. Criteria: ACMG Guidelines, 2015. Collection method: clinical testing. Allele origin: unknown.

All of Us Research Program, National Institutes of Health
Classification: Uncertain significance for Classic or attenuated familial adenomatous polyposis. Last evaluated: 2023-12-13. Review status: criteria provided, single submitter. Criteria: ACMG Guidelines, 2015. Collection method: clinical testing. Allele origin: germline. Inheritance: Autosomal dominant inheritance. Observed: 3 variant alleles, 3 heterozygotes.
Comment: This missense variant replaces glycine with arginine at codon 2383 of the APC protein. Computational prediction suggests that this variant may not impact protein structure and function (internally defined REVEL score threshold <= 0.5, PMID: 27666373). To our knowledge, functional studies have not been reported for this variant. This variant has been reported in a cohort of individuals with advanced cancer (PMID: 28873162). This variant has been identified in 1/250246 chromosomes in the general population by the Genome Aggregation Database (gnomAD). The available evidence is insufficient to determine the role of this variant in disease conclusively. Therefore, this variant is classified as a Variant of Uncertain Significance.

This study involves interpretation of variants in research participants for the purpose of population health screening. Participant phenotype was not available at the time of variant classification. Additional details can be found in publication PMID: 35346344, PMCID: PMC8962531

GeneDx
Classification: Uncertain significance. Last evaluated: 2023-08-17. Review status: criteria provided, single submitter. Criteria: GeneDx Variant Classification Process June 2021. Collection method: clinical testing. Allele origin: germline. Affected: yes.
Comment: Not observed at significant frequency in large population cohorts (gnomAD); In silico analysis supports that this missense variant does not alter protein structure/function; Observed in an individual with an advanced cancer (Mandelker et al., 2017); This variant is associated with the following publications: (PMID: 18199528, 28873162)

Sema4
Classification: Uncertain significance for Hereditary cancer-predisposing syndrome. Last evaluated: 2021-06-02. Review status: criteria provided, single submitter. Criteria: Sema4 Curation Guidelines. Collection method: curation. Allele origin: germline.
Comment: The APC c.7147G>C (p.G2383R) variant has been reported in at least 1 individual in a cohort of patients with prostate, renal, pancreatic, breast, and colon cancer (PMID: 28873162). This variant was observed in 1/16214 control chromosomes in the African/African American subpopulation according to the Genome Aggregation Database (PMID: 32461654). This variant has been reported in ClinVar (Variation ID: 482282). This variant involves a highly conserved amino acid, and computational analyses do not provide strong support for or against an impact to the protein, though these predictions have not been confirmed by published functional studies. The overall evidence is insufficient to meet ACMG/AMP criteria for classifying it as benign or pathogenic. In summary, the clinical significance of this variant is currently uncertain.

Quest Diagnostics Nichols Institute San Juan Capistrano
Classification: Uncertain significance. Last evaluated: 2020-08-25. Review status: criteria provided, single submitter. Criteria: Quest Diagnostics criteria. Collection method: clinical testing. Allele origin: unknown.

Literature cited by the submitters: PubMed 28873162 (cited by 3 submitters).